The following is an entry in ClinVar:

NM_033004.4(NLRP1):c.3094C>G (p.Leu1032Val)

Gene: NLRP1 (NLR family pyrin domain containing 1; minus strand). Cytogenetic location: 17p13.2.
Variant type: single nucleotide variant.
Coding change: c.3094C>G on transcript NM_033004.4 (MANE Select); coding-DNA position 3094, C replaced by G.
Protein change: p.Leu1032Val; replaces leucine 1032 with valine.
Molecular consequence: missense variant.
Genome position (GRCh38, 1-based): chr17:5,533,343, G>C on the plus strand (C>G on the coding strand, the complement: NLRP1 is on the minus strand). VCF-style: chr17-5533343-G-C. GRCh37 (hg19) VCF-style: chr17-5436663-G-C.
Other names: c.3094C>G, p.Leu1032Val (NM_001033053.3, NM_014922.5); c.3004C>G, p.Leu1002Val (NM_033006.4, NM_033007.4); short protein forms L1032V, L1002V.
Identifiers: ClinVar variation 3727207 (VCV003727207.2).
Genomic context (GRCh38, chr17:5,533,343, plus strand): 5'-GCCAGGCACCGTGGCTCTTGCCTGCAATCTCAGCAATTGGGAAGATCTTGCTCACGTCCA[G>C]GAGTTTGAGATTAGCCTGAGCAACATGGGAAGCCGCCCTCTCTACAGAAAAAAGAAAAAT-3'
Protein context (NP_127497.1, residues 1022-1042): SHVAQANLKL[Leu1032Val]DVSKIFPIAE

ClinVar aggregate classification (germline): Uncertain significance (1 of 4 stars; one submission).

gnomAD v4.1: 1 of 1,475,682 alleles (0.000068%); highest among the groups gnomAD compares: Non-Finnish European, 0.000093%; no homozygotes.

Submission:

Labcorp Genetics (formerly Invitae), Labcorp
Classification: Uncertain significance. Last evaluated: 2024-12-12. Review status: criteria provided, single submitter. Criteria: Invitae Variant Classification Sherloc (09022015). Collection method: clinical testing. Allele origin: germline.
Comment: This sequence change replaces leucine, which is neutral and non-polar, with valine, which is neutral and non-polar, at codon 1032 of the NLRP1 protein (p.Leu1032Val). This variant is not present in population databases (gnomAD no frequency). This variant has not been reported in the literature in individuals affected with NLRP1-related conditions. An algorithm developed to predict the effect of missense changes on protein structure and function (PolyPhen-2) suggests that this variant is likely to be tolerated. In summary, the available evidence is currently insufficient to determine the role of this variant in disease. Therefore, it has been classified as a Variant of Uncertain Significance.